The following is an entry in ClinVar:

NM_000051.4(ATM):c.6173del (p.Ser2057_Ser2058insTer)

Genes: ATM (ATM serine/threonine kinase; plus strand), C11orf65 (chromosome 11 open reading frame 65; minus strand). Cytogenetic location: 11q22.3.
Variant type: Deletion.
Coding change: c.6173del on transcript NM_000051.4 (MANE Select); coding-DNA position 6173, one base deleted (C; older notation c.6173delC).
Protein change: p.Ser2057_Ser2058insTer.
Molecular consequence: nonsense. On other transcripts: intron variant (2).
Genome position (GRCh38, 1-based): chr11:108,316,088, C deleted. VCF-style (leftmost placement, unchanged base first): chr11-108316087-TC-T. GRCh37 (hg19) VCF-style: chr11-108186814-TC-T.
Other names: c.6173del, p.Ser2057_Ser2058insTer (NM_001351834.2); c.641-7017del (NM_001330368.2); c.*39-7017del (NM_001351110.2).
Identifiers: ClinVar variation 3148159 (VCV003148159.1), dbSNP rs2547096529, ClinGen allele CA2825001856.
Genomic context (GRCh38, chr11:108,316,087, plus strand): 5'-CACGAAGCAATGTGGGGCAAAGCCCTAGTAACATATGACCTCGAAACAGCAATCCCCTCA[TC>T]AACACGCCAGGCAGGAATCATTCAGGTACATTTTTTCCCAGATTTGGTAAAGCCATCACT-3'

ClinVar aggregate classification (germline): Pathogenic (1 of 4 stars; one submission).

Conditions:
Familial cancer of breast. Also called: hereditary breast carcinoma; BREAST CANCER, FAMILIAL; Hereditary breast cancer. Identifiers: Orphanet 227535, MedGen C0346153, MONDO:0016419, OMIM 114480. Disease mechanism: loss of function.

Submission:

Myriad Genetics, Inc.
Classification: Pathogenic for Familial cancer of breast. Last evaluated: 2024-01-29. Review status: criteria provided, single submitter. Criteria: Myriad Autosomal Dominant, Autosomal Recessive and X-Linked Classification Criteria (2023). Collection method: clinical testing. Allele origin: unknown.
Comment: This variant is considered pathogenic. This variant creates a termination codon and is predicted to result in premature protein truncation.